The following is an entry in ClinVar:

ClinVar aggregate classification (germline): Uncertain significance (1 of 4 stars; one submission).

Conditions:
Severe early-onset pulmonary alveolar proteinosis due to MARS deficiency. Also called: Interstitial lung and liver disease; PULMONARY ALVEOLAR PROTEINOSIS, REUNION ISLAND. Identifiers: Orphanet 440427, MedGen C4225400, MONDO:0014206, OMIM 615486.
Charcot-Marie-Tooth disease axonal type 2U. Also called: CHARCOT-MARIE-TOOTH NEUROPATHY, TYPE 2U; CHARCOT-MARIE-TOOTH DISEASE, AXONAL, AUTOSOMAL DOMINANT, TYPE 2U. Identifiers: Orphanet 397735, MedGen C4084821, MONDO:0014566, OMIM 616280.

Submission:

Labcorp Genetics (formerly Invitae), Labcorp
Classification: Uncertain significance for Charcot-Marie-Tooth disease axonal type 2U; Severe early-onset pulmonary alveolar proteinosis due to MARS deficiency. Last evaluated: 2022-02-09. Review status: criteria provided, single submitter. Criteria: Invitae Variant Classification Sherloc (09022015). Collection method: clinical testing. Allele origin: germline.
Comment: In summary, the available evidence is currently insufficient to determine the role of this variant in disease. Therefore, it has been classified as a Variant of Uncertain Significance. Variants that disrupt the consensus splice site are a relatively common cause of aberrant splicing (PMID: 17576681, 9536098). Algorithms developed to predict the effect of sequence changes on RNA splicing suggest that this variant may disrupt the consensus splice site. Algorithms developed to predict the effect of missense changes on protein structure and function (SIFT, PolyPhen-2, Align-GVGD) all suggest that this variant is likely to be disruptive. This variant has not been reported in the literature in individuals affected with MARS-related conditions. This variant is not present in population databases (gnomAD no frequency). This sequence change replaces lysine, which is basic and polar, with asparagine, which is neutral and polar, at codon 513 of the MARS protein (p.Lys513Asn). This variant also falls at the last nucleotide of exon 12, which is part of the consensus splice site for this exon.

Literature cited by the submitters: PubMed 17576681; PubMed 9536098.

NM_004990.4(MARS1):c.1539G>T (p.Lys513Asn)

Gene: MARS1 (methionyl-tRNA synthetase 1; plus strand). Cytogenetic location: 12q13.3.
Variant type: single nucleotide variant.
Coding change: c.1539G>T on transcript NM_004990.4 (MANE Select); coding-DNA position 1539, G replaced by T.
Protein change: p.Lys513Asn; replaces lysine 513 with asparagine.
Molecular consequence: missense variant.
Genome position (GRCh38, 1-based): chr12:57,511,868, G>T. VCF-style: chr12-57511868-G-T. GRCh37 (hg19) VCF-style: chr12-57905651-G-T.
Other names: short protein forms K513N.
Identifiers: ClinVar variation 2093286 (VCV002093286.4), dbSNP rs2540312764, ClinGen allele CA385461702.